The following is an entry in ClinVar:

ClinVar aggregate classification (germline): Uncertain significance (1 of 4 stars; one submission).

Conditions:
Inborn genetic diseases. Identifiers: MedGen C0950123, MeSH D030342.

Submission:

Ambry Genetics
Classification: Uncertain significance for Inborn genetic diseases. Last evaluated: 2024-04-27. Review status: criteria provided, single submitter. Criteria: Ambry Variant Classification Scheme 2023. Collection method: clinical testing. Allele origin: germline.
Comment: The p.E360D variant (also known as c.1080A>T), located in coding exon 9 of the EPAS1 gene, results from an A to T substitution at nucleotide position 1080. The glutamic acid at codon 360 is replaced by aspartic acid, an amino acid with highly similar properties. This amino acid position is conserved. In addition, the in silico prediction for this alteration is inconclusive. Based on the available evidence, the clinical significance of this variant remains unclear.

NM_001430.5(EPAS1):c.1080A>T (p.Glu360Asp)

Gene: EPAS1 (endothelial PAS domain protein 1; plus strand). Cytogenetic location: 2p21.
Variant type: single nucleotide variant.
Coding change: c.1080A>T on transcript NM_001430.5 (MANE Select); coding-DNA position 1080, A replaced by T.
Protein change: p.Glu360Asp; replaces glutamic acid 360 with aspartic acid.
Molecular consequence: missense variant.
Genome position (GRCh38, 1-based): chr2:46,376,584, A>T. VCF-style: chr2-46376584-A-T. GRCh37 (hg19) VCF-style: chr2-46603723-A-T.
Other names: short protein forms E360D.
Identifiers: ClinVar variation 3275709 (VCV003275709.1).